The following is an entry in ClinVar:

ClinVar aggregate classification (germline): Pathogenic (1 of 4 stars; one submission).

Conditions:
Carnitine palmitoyltransferase II deficiency. Also called: Carnitine Palmitoyltransferase 2 Deficiency. Identifiers: Orphanet 157, MedGen C0342790, MONDO:0015515.

Submission:

Labcorp Genetics (formerly Invitae), Labcorp
Classification: Pathogenic for Carnitine palmitoyltransferase II deficiency. Last evaluated: 2022-06-10. Review status: criteria provided, single submitter. Criteria: Invitae Variant Classification Sherloc (09022015). Collection method: clinical testing. Allele origin: germline.
Comment: For these reasons, this variant has been classified as Pathogenic. This variant has not been reported in the literature in individuals affected with CPT2-related conditions. This variant is not present in population databases (gnomAD no frequency). This sequence change creates a premature translational stop signal (p.Lys305Hisfs*16) in the CPT2 gene. It is expected to result in an absent or disrupted protein product. Loss-of-function variants in CPT2 are known to be pathogenic (PMID: 16781677, 16996287).

Literature cited by the submitters: PubMed 16781677; PubMed 16996287.

NM_000098.3(CPT2):c.913_1172del (p.Lys305fs)

Gene: CPT2 (carnitine palmitoyltransferase 2; plus strand). Cytogenetic location: 1p32.3.
Variant type: Deletion.
Coding change: c.913_1172del on transcript NM_000098.3 (MANE Select); coding-DNA positions 913 to 1172, 260 bases deleted.
Protein change: p.Lys305fs; shifts the reading frame from lysine 305.
Molecular consequence: frameshift variant.
Genome position (GRCh38, 1-based): chr1:53,210,587-53,210,846, 260 bases deleted. GRCh37 (hg19): chr1:53,676,259-53,676,518.
Other names: c.913_1172del, p.Lys305fs (NM_001330589.2); short protein forms K305fs.
Identifiers: ClinVar variation 2004652 (VCV002004652.4), dbSNP rs2525588396, ClinGen allele CA2580063050.